The following is an entry in ClinVar:

NM_012062.5(DNM1L):c.1605A>C (p.Lys535Asn)

Gene: DNM1L (dynamin 1 like; plus strand). Cytogenetic location: 12p11.21.
Variant type: single nucleotide variant.
Coding change: c.1605A>C on transcript NM_012062.5 (MANE Select); coding-DNA position 1605, A replaced by C.
Protein change: p.Lys535Asn; replaces lysine 535 with asparagine.
Molecular consequence: missense variant. On other transcripts: intron variant (3).
Genome position (GRCh38, 1-based): chr12:32,737,873, A>C. VCF-style: chr12-32737873-A-C. GRCh37 (hg19) VCF-style: chr12-32890807-A-C.
Other names: c.1605A>C, p.Lys535Asn (NM_001278463.2); c.1644A>C, p.Lys548Asn (NM_001278464.2, NM_001278465.2); c.996A>C, p.Lys332Asn (NM_001278466.2); c.1635+712A>C (NM_001330380.2); c.1597-391A>C (NM_012063.4); c.1596+712A>C (NM_005690.5); short protein forms K535N, K332N, K548N.
Identifiers: ClinVar variation 4714214 (VCV004714214.1).

ClinVar aggregate classification (germline): Uncertain significance (1 of 4 stars; one submission).

Submission:

Labcorp Genetics (formerly Invitae), Labcorp
Classification: Uncertain significance. Last evaluated: 2025-03-03. Review status: criteria provided, single submitter. Criteria: Invitae Variant Classification Sherloc (09022015). Collection method: clinical testing. Allele origin: germline.
Comment: This sequence change replaces lysine, which is basic and polar, with asparagine, which is neutral and polar, at codon 535 of the DNM1L protein (p.Lys535Asn). This variant is not present in population databases (gnomAD no frequency). This variant has not been reported in the literature in individuals affected with DNM1L-related conditions. An algorithm developed to predict the effect of missense changes on protein structure and function (PolyPhen-2) suggests that this variant is likely to be tolerated. In summary, the available evidence is currently insufficient to determine the role of this variant in disease. Therefore, it has been classified as a Variant of Uncertain Significance.